The following is an entry in ClinVar:

NM_001303256.3(MORC2):c.904+4dup

Gene: MORC2 (MORC family CW-type zinc finger 2; minus strand). Cytogenetic location: 22q12.2.
Variant type: Duplication.
Coding change: c.904+4dup on transcript NM_001303256.3 (MANE Select); 4 bases into the intron after coding-DNA position 904, one base duplicated (A; older notation c.904+4dupA).
Molecular consequence: intron variant.
Genome position (GRCh38, 1-based): chr22:30,940,754, T duplicated on the plus strand (A on the coding strand, the reverse complement: MORC2 is on the minus strand); the first of 2 consecutive T bases (chr22:30,940,754-30,940,755); duplicating either gives the same sequence. VCF-style (leftmost placement, unchanged base first): chr22-30940753-A-AT. GRCh37 (hg19) VCF-style: chr22-31336740-A-AT.
Other names: c.904+4dup (NM_001303257.2); c.718+4dup (NM_014941.3).
Identifiers: ClinVar variation 3055353 (VCV003055353.2), dbSNP rs979627051, ClinGen allele CA323277797.
Genomic context (GRCh38, chr22:30,940,753, plus strand): 5'-TTTGCCCACAAGCAGCATACCCCAGATGCACACCCCCCCAACTCCTGCACCCAGAGTGGC[A>AT]TTACCAATCCTTGCTACGTGCTCTGCTTTCTTCACCTCCTGCTCCGCACGGGTCTTGAAA-3'

ClinVar aggregate classification (germline): Likely benign (0 of 4 stars; one submission).

Conditions:
MORC2-related disorder. Also called: MORC2-related condition.

Submission:

PreventionGenetics, part of Exact Sciences
Classification: Likely benign for MORC2-related condition. Last evaluated: 2023-09-13. Review status: no assertion criteria provided. Collection method: clinical testing. Allele origin: germline.
Comment: This variant is classified as likely benign based on ACMG/AMP sequence variant interpretation guidelines (Richards et al. 2015 PMID: 25741868, with internal and published modifications).